The following is an entry in ClinVar:

ClinVar aggregate classification (germline): Uncertain significance (1 of 4 stars; one submission).

Conditions:
Mild global developmental delay. Identifiers: MedGen C4012968, HP:0011342.

Submission:

Clinical Genetics Laboratory, Skane University Hospital Lund
Classification: Uncertain significance for Mild global developmental delay. Last evaluated: 2025-03-05. Review status: criteria provided, single submitter. Criteria: ACMG Guidelines, 2015. Collection method: clinical testing. Allele origin: de novo. Inheritance: Autosomal dominant inheritance. Affected: yes.
Comment: ACMG criteria used: PM2, PP3

NM_198503.5(KCNT2):c.324G>A (p.Gln108=)

Gene: KCNT2 (potassium sodium-activated channel subfamily T member 2; minus strand). Cytogenetic location: 1q31.3.
Variant type: single nucleotide variant.
Coding change: c.324G>A on transcript NM_198503.5 (MANE Select); coding-DNA position 324, G replaced by A.
Protein change: p.Gln108=; no amino-acid change (glutamine 108 retained).
Molecular consequence: synonymous variant. On other transcripts: non-coding transcript variant (2).
Genome position (GRCh38, 1-based): chr1:196,482,331, C>T on the plus strand (G>A on the coding strand, the complement: KCNT2 is on the minus strand). VCF-style: chr1-196482331-C-T. GRCh37 (hg19) VCF-style: chr1-196451461-C-T.
Other names: c.324G>A, p.Gln108= (NM_001287819.3, NM_001287820.3).
Identifiers: ClinVar variation 3766439 (VCV003766439.1).